The following is an entry in ClinVar:

NM_053025.4(MYLK):c.1528A>T (p.Met510Leu)

Gene: MYLK (myosin light chain kinase; minus strand). Cytogenetic location: 3q21.1.
Variant type: single nucleotide variant.
Coding change: c.1528A>T on transcript NM_053025.4 (MANE Select); coding-DNA position 1528, A replaced by T.
Protein change: p.Met510Leu; replaces methionine 510 with leucine.
Molecular consequence: missense variant.
Genome position (GRCh38, 1-based): chr3:123,726,067, T>A on the plus strand (A>T on the coding strand, the complement: MYLK is on the minus strand). VCF-style: chr3-123726067-T-A. GRCh37 (hg19) VCF-style: chr3-123444914-T-A.
Other names: c.1000A>T, p.Met334Leu (NM_001321309.2); c.1321A>T, p.Met441Leu (NM_053026.4, NM_053028.4); c.1528A>T, p.Met510Leu (NM_053027.4); short protein forms M334L, M510L, M441L.
Identifiers: ClinVar variation 915652 (VCV000915652.10), dbSNP rs368575789, ClinGen allele CA067204.

ClinVar aggregate classification (germline): Uncertain significance. Review status: criteria provided, multiple submitters, no conflicts (2 of 4 stars). 5 submissions from 5 submitters: Uncertain significance (5). Last evaluated 2025-03-11.

Conditions:
Aortic aneurysm, familial thoracic 7 (AAT7). Also called: AORTIC DISSECTION, FAMILIAL, WITH OR WITHOUT AORTIC ANEURYSM. Identifiers: MedGen C3151077, MONDO:0013418, OMIM 613780.
MYLK-related disorder. Also called: MYLK-related condition.
Familial thoracic aortic aneurysm and aortic dissection (TAAD). Also called: Thoracic aortic aneurysms and dissections. Identifiers: Orphanet 91387, MedGen C4707243, MONDO:0019625.

Allele frequency attached by ClinVar (database versions not stated): gnomAD 0.00001; gnomAD exomes 0.00001 and 0.00002; TOPMed 0.00001; ExAC 0.00002; ESP Exome Variant Server 0.00008.
gnomAD v4.1: 9 of 1,614,048 alleles (0.00056%); highest among the groups gnomAD compares: Admixed American, 0.0017%; no homozygotes.

Submissions (5):

Labcorp Genetics (formerly Invitae), Labcorp
Classification: Uncertain significance for Aortic aneurysm, familial thoracic 7. Last evaluated: 2025-03-11. Review status: criteria provided, single submitter. Criteria: Invitae Variant Classification Sherloc (09022015). Collection method: clinical testing. Allele origin: germline.
Comment: This sequence change replaces methionine, which is neutral and non-polar, with leucine, which is neutral and non-polar, at codon 510 of the MYLK protein (p.Met510Leu). This variant is present in population databases (rs368575789, gnomAD 0.003%). This variant has not been reported in the literature in individuals affected with MYLK-related conditions. ClinVar contains an entry for this variant (Variation ID: 915652). Invitae Evidence Modeling of protein sequence and biophysical properties (such as structural, functional, and spatial information, amino acid conservation, physicochemical variation, residue mobility, and thermodynamic stability) indicates that this missense variant is not expected to disrupt MYLK protein function with a negative predictive value of 80%. In summary, the available evidence is currently insufficient to determine the role of this variant in disease. Therefore, it has been classified as a Variant of Uncertain Significance.

PreventionGenetics, part of Exact Sciences
Classification: Uncertain significance for MYLK-related condition. Last evaluated: 2024-12-13. Review status: criteria provided, single submitter. Criteria: ACMG Guidelines, 2015. Collection method: clinical testing. Allele origin: germline.
Comment: The MYLK c.1528A>T variant is predicted to result in the amino acid substitution p.Met510Leu. To our knowledge, this variant has not been reported in the literature. This variant is reported in 0.0029% of alleles in individuals of Latino descent in gnomAD. At this time, the clinical significance of this variant is uncertain due to the absence of conclusive functional and genetic evidence.

Blueprint Genetics
Classification: Uncertain significance. Last evaluated: 2024-11-04. Review status: criteria provided, single submitter. Criteria: ACMG Guidelines, 2015. Collection method: clinical testing. Allele origin: germline.

Ambry Genetics
Classification: Uncertain significance for Familial thoracic aortic aneurysm and aortic dissection. Last evaluated: 2023-04-14. Review status: criteria provided, single submitter. Criteria: Ambry Variant Classification Scheme 2023. Collection method: clinical testing. Allele origin: germline.
Comment: The p.M510L variant (also known as c.1528A>T), located in coding exon 9 of the MYLK gene, results from an A to T substitution at nucleotide position 1528. The methionine at codon 510 is replaced by leucine, an amino acid with highly similar properties. This amino acid position is conserved. In addition, this alteration is predicted to be tolerated by in silico analysis. Since supporting evidence is limited at this time, the clinical significance of this alteration remains unclear.

CHEO Genetics Diagnostic Laboratory, Children's Hospital of Eastern Ontario
Classification: Uncertain significance for Familial thoracic aortic aneurysm and aortic dissection. Last evaluated: 2021-07-07. Review status: criteria provided, single submitter. Criteria: ACMG Guidelines, 2015. Collection method: clinical testing. Allele origin: germline.